The following is an entry in ClinVar:

NM_000465.4(BARD1):c.2020G>A (p.Gly674Arg)

Gene: BARD1 (BRCA1 associated RING domain 1; minus strand). Cytogenetic location: 2q35.
Variant type: single nucleotide variant.
Coding change: c.2020G>A on transcript NM_000465.4 (MANE Select); coding-DNA position 2020, G replaced by A.
Protein change: p.Gly674Arg; replaces glycine 674 with arginine.
Molecular consequence: missense variant. On other transcripts: non-coding transcript variant (3).
Genome position (GRCh38, 1-based): chr2:214,728,990, C>T on the plus strand (G>A on the coding strand, the complement: BARD1 is on the minus strand). VCF-style: chr2-214728990-C-T. GRCh37 (hg19) VCF-style: chr2-215593714-C-T.
Other names: c.1963G>A, p.Gly655Arg (NM_001282543.2); c.667G>A, p.Gly223Arg (NM_001282545.2); c.610G>A, p.Gly204Arg (NM_001282548.2); c.481G>A, p.Gly161Arg (NM_001282549.2); short protein forms G674R, G655R, G204R, G161R, G223R.
Identifiers: ClinVar variation 482825 (VCV000482825.21), dbSNP rs1328046615, ClinGen allele CA350450793.
Genomic context (GRCh38, chr2:214,728,990, plus strand): 5'-GCTTAATAAGGTTGTCCTTTGGATGGTGTTTGAAGGTTCCCCACAAATAGAAGTAGCATC[C>T]ATCAAACAGCTTTGGCAACTGAAATAATGAGAAAACATTTGTTAAAGGCAGATCAAAATA-3'
Protein context (NP_000456.2, residues 664-684): REQLLPKLFD[Gly674Arg]CYFYLWGTFK

ClinVar aggregate classification (germline): Uncertain significance. Review status: criteria provided, multiple submitters, no conflicts (2 of 4 stars). 5 submissions from 5 submitters: Uncertain significance (5). Last evaluated 2026-01-03.

Conditions:
Familial cancer of breast. Also called: BREAST CANCER, FAMILIAL; Hereditary breast cancer; hereditary breast carcinoma. Identifiers: Orphanet 227535, MedGen C0346153, MONDO:0016419, OMIM 114480. Disease mechanism: loss of function.
Hereditary cancer-predisposing syndrome. Also called: Neoplastic Syndromes, Hereditary; Tumor predisposition; Hereditary Cancer Syndrome; Hereditary neoplastic syndrome. Identifiers: Orphanet 140162, MedGen C0027672, MeSH D009386, MONDO:0015356.

Allele frequency attached by ClinVar (database versions not stated): gnomAD exomes below 0.00001; TOPMed below 0.00001; gnomAD 0.00001.
gnomAD v4.1: 2 of 1,613,992 alleles (0.00012%); highest among the groups gnomAD compares: Non-Finnish European, 0.00017%; no homozygotes.

Submissions (5):

Labcorp Genetics (formerly Invitae), Labcorp
Classification: Uncertain significance for Familial cancer of breast. Last evaluated: 2026-01-03. Review status: criteria provided, single submitter. Criteria: Invitae Variant Classification Sherloc (09022015). Collection method: clinical testing. Allele origin: germline.
Comment: This sequence change replaces glycine, which is neutral and non-polar, with arginine, which is basic and polar, at codon 674 of the BARD1 protein (p.Gly674Arg). The frequency data for this variant in the population databases is considered unreliable, as metrics indicate poor data quality at this position in the gnomAD database. This variant has not been reported in the literature in individuals affected with BARD1-related conditions. ClinVar contains an entry for this variant (Variation ID: 482825). An algorithm developed to predict the effect of missense changes on protein structure and function (PolyPhen-2) suggests that this variant is likely to be disruptive. In summary, the available evidence is currently insufficient to determine the role of this variant in disease. Therefore, it has been classified as a Variant of Uncertain Significance.

GeneDx
Classification: Uncertain significance. Last evaluated: 2024-04-23. Review status: criteria provided, single submitter. Criteria: GeneDx Variant Classification Process June 2021. Collection method: clinical testing. Allele origin: germline. Affected: yes.
Comment: Not observed at significant frequency in large population cohorts (gnomAD); In silico analysis supports that this missense variant has a deleterious effect on protein structure/function; Has not been previously published as pathogenic or benign to our knowledge; This variant is associated with the following publications: (PMID: 17550235)

Color Diagnostics, LLC DBA Color Health
Classification: Uncertain significance for Hereditary cancer-predisposing syndrome. Last evaluated: 2024-03-06. Review status: criteria provided, single submitter. Criteria: ACMG Guidelines, 2015. Collection method: clinical testing. Allele origin: germline.
Comment: This missense variant replaces glycine with arginine at codon 674 of the BARD1 protein. Computational prediction is inconclusive regarding the impact of this variant on protein structure and function (internally defined REVEL score threshold 0.5 < inconclusive < 0.7, PMID: 27666373). To our knowledge, functional studies have not been reported for this variant. This variant has not been reported in individuals affected with hereditary cancer in the literature. This variant has been identified in 1/250778 chromosomes in the general population by the Genome Aggregation Database (gnomAD). The available evidence is insufficient to determine the role of this variant in disease conclusively. Therefore, this variant is classified as a Variant of Uncertain Significance.

Baylor Genetics
Classification: Uncertain significance for Familial cancer of breast. Last evaluated: 2023-10-12. Review status: criteria provided, single submitter. Criteria: ACMG Guidelines, 2015. Collection method: clinical testing. Allele origin: unknown.

Ambry Genetics
Classification: Uncertain significance for Hereditary cancer-predisposing syndrome. Last evaluated: 2023-07-26. Review status: criteria provided, single submitter. Criteria: Ambry Variant Classification Scheme 2023. Collection method: clinical testing. Allele origin: germline.
Comment: The p.G674R variant (also known as c.2020G>A), located in coding exon 11 of the BARD1 gene, results from a G to A substitution at nucleotide position 2020. The glycine at codon 674 is replaced by arginine, an amino acid with dissimilar properties. This amino acid position is highly conserved in available vertebrate species. In addition, the in silico prediction for this alteration is inconclusive. Since supporting evidence is limited at this time, the clinical significance of this alteration remains unclear.